The following is an entry in ClinVar:

NM_005909.5(MAP1B):c.1808C>A (p.Thr603Asn)

Gene: MAP1B (microtubule associated protein 1B; plus strand). Cytogenetic location: 5q13.2.
Variant type: single nucleotide variant.
Coding change: c.1808C>A on transcript NM_005909.5 (MANE Select); coding-DNA position 1808, C replaced by A.
Protein change: p.Thr603Asn; replaces threonine 603 with asparagine.
Molecular consequence: missense variant.
Genome position (GRCh38, 1-based): chr5:72,195,163, C>A. VCF-style: chr5-72195163-C-A. GRCh37 (hg19) VCF-style: chr5-71490990-C-A.
Other names: c.1430C>A, p.Thr477Asn (NM_001324255.2); short protein forms T477N, T603N.
Identifiers: ClinVar variation 2671742 (VCV002671742.1), dbSNP rs759510208, ClinGen allele CA3298742.

ClinVar aggregate classification (germline): Uncertain significance (1 of 4 stars; one submission).

Conditions:
Hearing loss, autosomal dominant 83. Also called: Deafness, autosomal dominant 83. Identifiers: MedGen C5676951, MONDO:0030723, OMIM 619808.

Allele frequency attached by ClinVar (database versions not stated): gnomAD exomes 0.00001; ExAC 0.00002.

Submission:

Neuberg Centre For Genomic Medicine, NCGM
Classification: Uncertain significance for Hearing loss, autosomal dominant 83. Last evaluated: 2023-02-14. Review status: criteria provided, single submitter. Criteria: ACMG Guidelines, 2015. Collection method: clinical testing. Allele origin: germline. Inheritance: Autosomal dominant inheritance. Affected: yes.
Comment: The missense c.1808C>A (p.Thr603Asn) variant in MAP1B gene has not been reported previously as a pathogenic variant nor as a benign variant, to our knowledge. The p.Thr603Asn variant has allele frequency 0.002% in gnomAD Exomes and is novel (not in any individuals) in 1000 Genomes. This variant has not been reported to the ClinVar database. The amino acid change p.Thr603Asn in MAP1B is predicted as conserved by GERP++ and PhyloP across 100 vertebrates. The amino acid Thr at position 603 is changed to a Asn changing protein sequence and it might alter its composition and physico-chemical properties. For these reasons, this variant has been classified as Variant of Uncertain Significance (VUS)